The following is an entry in ClinVar:

NC_000013.11:g.(?_32376664)_(32376797_?)del

Gene: BRCA2 (BRCA2 DNA repair associated; plus strand). Cytogenetic location: 13q13.1.
Variant type: Deletion.
Identifiers: ClinVar variation 531588 (VCV000531588.1).

ClinVar aggregate classification (germline): Pathogenic (1 of 4 stars; one submission).

Conditions:
Hereditary breast ovarian cancer syndrome. Also called: Hereditary breast and ovarian cancer syndrome (HBOC); BRCA1- and BRCA2-Associated Hereditary Breast and Ovarian Cancer; Hereditary breast and ovarian cancer syndrome; Breast and ovarian cancer; Hereditary breast and ovarian cancer; Hereditary breast and/or ovarian cancer syndrome. Identifiers: Orphanet 145, MedGen C0677776, MeSH D061325, MONDO:0003582. Disease mechanism: loss of function.

Submission:

Labcorp Genetics (formerly Invitae), Labcorp
Classification: Pathogenic for Hereditary breast ovarian cancer syndrome. Last evaluated: 2017-12-29. Review status: criteria provided, single submitter. Criteria: Invitae Variant Classification Sherloc (09022015). Collection method: clinical testing. Allele origin: germline.
Comment: This variant is an out-of-frame deletion of the genomic region encompassing exon 21 of the BRCA2 gene. This is expected to create a premature translational stop signal and result in an absent or disrupted protein product. This variant has been reported in two individuals affected with breast and/or ovarian cancer (PMID: 16551709, 27257965). Loss-of-function variants in BRCA2 are known to be pathogenic (PMID: 20104584). For these reasons, this variant has been classified as Pathogenic.

Literature cited by the submitters: PubMed 27257965; PubMed 16551709.